The following is an entry in ClinVar:

ClinVar aggregate classification (germline): Uncertain significance (1 of 4 stars; one submission).

Allele frequency attached by ClinVar (database versions not stated): gnomAD exomes below 0.00001.

Submission:

GeneDx
Classification: Uncertain significance. Last evaluated: 2022-01-20. Review status: criteria provided, single submitter. Criteria: GeneDx Variant Classification Process June 2021. Collection method: clinical testing. Allele origin: germline. Affected: yes.
Comment: Not observed at significant frequency in large population cohorts (gnomAD); Nonsense variant predicted to result in protein truncation as the last 5 amino acids are lost, although loss-of-function variants have not been reported downstream of this position in the protein; Has not been previously published as pathogenic or benign to our knowledge

NM_000891.3(KCNJ2):c.1267C>T (p.Arg423Ter)

Gene: KCNJ2 (potassium inwardly rectifying channel subfamily J member 2; plus strand). Cytogenetic location: 17q24.3.
Variant type: single nucleotide variant.
Coding change: c.1267C>T on transcript NM_000891.3 (MANE Select); coding-DNA position 1267, C replaced by T.
Protein change: p.Arg423Ter; replaces arginine 423 with a stop codon.
Molecular consequence: nonsense.
Genome position (GRCh38, 1-based): chr17:70,176,306, C>T. VCF-style: chr17-70176306-C-T. GRCh37 (hg19) VCF-style: chr17-68172447-C-T.
Other names: short protein forms R423*.
Identifiers: ClinVar variation 1698167 (VCV001698167.2), dbSNP rs2074392920, ClinGen allele CA400864254.